The following is an entry in ClinVar:

NM_152296.5(ATP1A3):c.650G>A (p.Arg217His)

Gene: ATP1A3 (ATPase Na+/K+ transporting subunit alpha 3; minus strand). Cytogenetic location: 19q13.2.
Variant type: single nucleotide variant.
Coding change: c.650G>A on transcript NM_152296.5 (MANE Select); coding-DNA position 650, G replaced by A.
Protein change: p.Arg217His; replaces arginine 217 with histidine.
Molecular consequence: missense variant.
Genome position (GRCh38, 1-based): chr19:41,985,380, C>T on the plus strand (G>A on the coding strand, the complement: ATP1A3 is on the minus strand). VCF-style: chr19-41985380-C-T. GRCh37 (hg19) VCF-style: chr19-42489532-C-T.
Other names: c.683G>A, p.Arg228His (NM_001256213.2); c.689G>A, p.Arg230His (NM_001256214.2); short protein forms R217H, R228H, R230H.
Identifiers: ClinVar variation 3234044 (VCV003234044.1), dbSNP rs1555865039, ClinGen allele CA406054104.

ClinVar aggregate classification (germline): Uncertain significance (1 of 4 stars; one submission).

Conditions:
Alternating hemiplegia of childhood 2 (AHC2). Also called: Alternating Hemiplegia of Childhood (AHC). Identifiers: Orphanet 2131, MedGen C3553788, MONDO:0013900, OMIM 614820.

Allele frequency attached by ClinVar (database versions not stated): gnomAD exomes below 0.00001.
gnomAD v4.1: 1 of 1,614,016 alleles (0.000062%); highest among the groups gnomAD compares: Non-Finnish European, 0.000085%; no homozygotes.

Submission:

MVZ Medizinische Genetik Mainz
Classification: Uncertain significance for Alternating hemiplegia of childhood 2. Last evaluated: 2023-04-11. Review status: criteria provided, single submitter. Criteria: UK Practice Guidelines For Variant Classification V4 01 2020. Collection method: clinical testing. Allele origin: germline. Inheritance: Autosomal dominant inheritance. Affected: yes. Observed: 1 variant allele.
Comment: ACMG Criteria: PP3_MOD,PM2_SUP,PP2